The following is an entry in ClinVar:

ClinVar aggregate classification (germline): Uncertain significance (1 of 4 stars; one submission).

Conditions:
Cardiomyopathy (CMYO). Also called: Cardiomyopathies. Identifiers: Orphanet 167848, MedGen C0878544, MONDO:0004994, HP:0001638. Inheritance: Various modes of inheritance.

Submission:

Color Diagnostics, LLC DBA Color Health
Classification: Uncertain significance for Cardiomyopathy. Last evaluated: 2025-08-18. Review status: criteria provided, single submitter. Criteria: ACMG Guidelines, 2015. Collection method: clinical testing. Allele origin: germline.
Comment: This variant causes a single amino acid deletion at codon 504 in the DSC2 protein. To our knowledge, functional studies have not been reported for this variant. This variant has not been reported in individuals affected with DSC2-related disorders in the literature. This variant has not been identified in the general population by the Genome Aggregation Database (gnomAD). The available evidence is insufficient to determine the role of this variant in disease conclusively. Therefore, this variant is classified as a Variant of Uncertain Significance.

NM_024422.6(DSC2):c.1506_1508del (p.Ser504del)

Gene: DSC2 (desmocollin 2; minus strand). Cytogenetic location: 18q12.1.
Variant type: Deletion.
Coding change: c.1506_1508del on transcript NM_024422.6 (MANE Select); coding-DNA positions 1506 to 1508, 3 bases deleted (TAG; older notation c.1506_1508delTAG).
Protein change: p.Ser504del; deletes serine 504.
Genome position (GRCh38, 1-based): chr18:31,080,108-31,080,110, CTA deleted on the plus strand (TAG on the coding strand, the reverse complement: DSC2 is on the minus strand); deleting any 3 consecutive bases within chr18:31,080,108-31,080,112 gives the same sequence; the c. name uses the placement nearest the transcript's 3' end. VCF-style (leftmost placement, unchanged base first): chr18-31080107-GCTA-G. GRCh37 (hg19) VCF-style: chr18-28660073-GCTA-G.
Other names: c.1077_1079del, p.Ser361del (NM_001406506.1, NM_001406507.1); c.1506_1508del, p.Ser504del (NM_004949.5); short protein forms S361del, S504del.
Identifiers: ClinVar variation 4756314 (VCV004756314.1).
Genomic context (GRCh38, chr18:31,080,107, plus strand): 5'-GTAACAAAATAAGCTATATATTTTAAAACTAAAATAGAATGGTAAGTACCTTATGCCACT[GCTA>G]CTTCTTGTTTCTGGGTCATATGCTTTATATCCATTGCTTGTTGTTCCCACTTCTGCATTT-3'